The following continues an entry in ClinVar:

NM_000051.4(ATM):c.9031A>G (p.Met3011Val)

ClinVar aggregate classification (germline): Conflicting classifications of pathogenicity. Uncertain significance (13); Likely benign (1).

Submissions 8 to 15 of 15:

Quest Diagnostics Nichols Institute San Juan Capistrano
Classification: Uncertain significance. Last evaluated: 2024-11-07. Review status: criteria provided, single submitter. Criteria: Quest Diagnostics criteria. Collection method: clinical testing. Allele origin: unknown.
Comment: The ATM c.9031A>G (p.Met3011Val) variant has been reported in the published literature in individuals affected with breast cancer (PMID: 11505391 (2001), 12810666 (2003), 19781682 (2009)), glioblastoma (PMID: 26689913 (2015)), prostate cancer (PMID: 33436325 (2021)), and melanoma (PMID: 34262154 (2021)). This variant has also been identified in reportedly healthy individuals (PMID: 33471991 (2021), see also LOVD). The frequency of this variant in the general population, 0.000077 (10/129144 chromosomes (Genome Aggregation Database)), is uninformative in the assessment of its pathogenicity. Analysis of this variant using bioinformatics tools for the prediction of the effect of amino acid changes on protein structure and function yielded conflicting predictions that this variant is deleterious or benign. Based on the available information, we are unable to determine the clinical significance of this variant.

Myriad Genetics, Inc.
Classification: Likely benign for Familial cancer of breast. Last evaluated: 2024-06-24. Review status: criteria provided, single submitter. Criteria: Myriad Autosomal Dominant, Autosomal Recessive and X-Linked Classification Criteria (2023). Collection method: clinical testing. Allele origin: unknown.
Comment: This variant is considered likely benign. This variant is strongly associated with less severe personal and family histories of cancer, typical for individuals without pathogenic variants in this gene [PMID: 25085752].

Color Diagnostics, LLC DBA Color Health
Classification: Uncertain significance for Hereditary cancer-predisposing syndrome. Last evaluated: 2024-03-20. Review status: criteria provided, single submitter. Criteria: ACMG Guidelines, 2015. Collection method: clinical testing. Allele origin: germline.
Comment: This missense variant replaces methionine with valine at codon 3011 of the ATM protein. Computational prediction suggests that this variant may not impact protein structure and function. To our knowledge, functional studies have not been reported for this variant. This variant has been reported in individuals affected with breast cancer or prostate cancer (PMID: 11505391, 19781682, 33436325). This variant has been identified in 11/282840 chromosomes in the general population by the Genome Aggregation Database (gnomAD). The available evidence is insufficient to determine the role of this variant in disease conclusively. Therefore, this variant is classified as a Variant of Uncertain Significance.

Baylor Genetics
Classification: Uncertain significance for Familial cancer of breast. Last evaluated: 2024-02-28. Review status: criteria provided, single submitter. Criteria: ACMG Guidelines, 2015. Collection method: clinical testing. Allele origin: unknown.

St. Jude Molecular Pathology, St. Jude Children's Research Hospital
Classification: Uncertain significance for Familial cancer of breast. Last evaluated: 2022-12-28. Review status: criteria provided, single submitter. Criteria: St. Jude Assertion Criteria 2020. Collection method: clinical testing. Allele origin: germline.
Comment: The ATM c.9031A>G (p.Met3011Val) missense change has a maximum subpopulation frequency of 0.0077% in gnomAD v2.1.1. The in silico tool REVEL predicts a benign effect of this variant on protein function, and to our knowledge functional studies have not been performed. This variant has been reported in individuals with a personal and/or family history of breast and/or cancer (PMID: 11505391, 12810666, 19781682). It is absent in a database of women older than 70 years of age who have never had cancer (FLOSSIES database). To our knowledge, this variant has not been reported in individuals with ataxia telangiectasia. In summary, the evidence currently available is insufficient to determine the clinical significance of this variant. It has therefore been classified as of uncertain significance.

Athena Diagnostics
Classification: Uncertain significance. Last evaluated: 2021-09-09. Review status: criteria provided, single submitter. Criteria: Athena Diagnostics Criteria. Collection method: clinical testing. Allele origin: unknown.

ARUP Laboratories, Molecular Genetics and Genomics, ARUP Laboratories
Classification: Uncertain significance. Last evaluated: 2017-10-11. Review status: criteria provided, single submitter. Criteria: ARUP Molecular Germline Variant Investigation Process. Collection method: clinical testing. Allele origin: germline.
Comment: The p.Met3011Val (rs372795527) has been reported in several individuals with breast carcinoma or a family history of breast cancer (Tavtigian, 2009; Teraoka, 2001; Thorstenson, 2003); however this variant has not been found associated with ataxia-telangiectasia nor primary immunodeficiency. This variant is listed in the Genome Aggregation Database (gnomAD) with an overall population frequency of 0.004 percent (identified on 11 out of 277,168 chromosomes), and has been reported to the ClinVar database as a variant of unknown significance (VariationID: 181906). The methionine at position 3,011 is moderately conserved considering 9 species (Alamut v2.10) and computational analyses of the p.Met3011Val variant on protein structure and function indicate a neutral effect (SIFT: tolerated, GVGD: class C0, PolyPhen-2: benign). Altogether, there is not enough evidence to classify the p.Met3011Val variant with certainty.

Natera, Inc.
Classification: Uncertain significance for Ataxia-telangiectasia. Last evaluated: 2020-01-06. Review status: no assertion criteria provided. Collection method: clinical testing. Allele origin: germline. Not counted in ClinVar's aggregate classification.

Literature cited by the submitters: PubMed 11505391 (cited by 5 submitters); PubMed 12810666 (cited by 4 submitters); PubMed 19781682 (cited by 5 submitters); PubMed 26689913 (cited by 4 submitters); PubMed 33436325 (cited by 6 submitters); PubMed 35047863 (cited by Labcorp Genetics (formerly Invitae), Labcorp); PubMed 25148578 (cited by Women's Health and Genetics/Laboratory Corporation of America, LabCorp); PubMed 27200287 (cited by 3 submitters); PubMed 30197789 (cited by Women's Health and Genetics/Laboratory Corporation of America, LabCorp and Quest Diagnostics Nichols Institute San Juan Capistrano); PubMed 28779002 (cited by Quest Diagnostics Nichols Institute San Juan Capistrano); PubMed 33471991 (cited by Quest Diagnostics Nichols Institute San Juan Capistrano); PubMed 34262154 (cited by Quest Diagnostics Nichols Institute San Juan Capistrano); PubMed 25085752 (cited by Myriad Genetics, Inc.).